The following is an entry in ClinVar:

ClinVar aggregate classification (germline): Uncertain significance. Review status: criteria provided, multiple submitters, no conflicts (2 of 4 stars). 2 submissions from 2 submitters: Uncertain significance (2). Last evaluated 2026-08-12.

gnomAD v4.1: 5 of 1,532,082 alleles (0.00033%); highest among the groups gnomAD compares: Admixed American, 0.0039%; no homozygotes.

Submissions (2):

Ambry Genetics
Classification: Uncertain significance. Last evaluated: 2026-08-12. Review status: criteria provided, single submitter. Criteria: Ambry Variant Classification Scheme 2023. Collection method: clinical testing. Allele origin: germline.
Comment: The c.2125G>A (p.E709K) alteration is located in exon 3 (coding exon 2) of the SYNPO gene. This alteration results from a G to A substitution at nucleotide position 2125, causing the glutamic acid (E) at amino acid position 709 to be replaced by a lysine (K). Based on data from gnomAD, the A allele has an overall frequency of 0.001% (1/126208) total alleles studied. The highest observed frequency was 0.004% (1/24212) of Latino alleles. Based on insufficient or conflicting evidence, the clinical significance of this alteration remains unclear.

Labcorp Genetics (formerly Invitae), Labcorp
Classification: Uncertain significance. Last evaluated: 2025-11-03. Review status: criteria provided, single submitter. Criteria: Invitae Variant Classification Sherloc (09022015). Collection method: clinical testing. Allele origin: germline.
Comment: This sequence change replaces glutamic acid, which is acidic and polar, with lysine, which is basic and polar, at codon 709 of the SYNPO protein (p.Glu709Lys). This variant is present in population databases (no rsID available, gnomAD 0.004%). This variant has not been reported in the literature in individuals affected with SYNPO-related conditions. An algorithm developed to predict the effect of missense changes on protein structure and function (PolyPhen-2) suggests that this variant is likely to be disruptive. In summary, the available evidence is currently insufficient to determine the role of this variant in disease. Therefore, it has been classified as a Variant of Uncertain Significance.

NM_007286.6(SYNPO):c.2125G>A (p.Glu709Lys)

Genes: SYNPO (synaptopodin; plus strand), LOC129995010 (ATAC-STARR-seq lymphoblastoid silent region 16515; plus strand). Cytogenetic location: 5q33.1.
Variant type: single nucleotide variant.
Coding change: c.2125G>A on transcript NM_007286.6 (MANE Select); coding-DNA position 2125, G replaced by A.
Protein change: p.Glu709Lys; replaces glutamic acid 709 with lysine.
Molecular consequence: missense variant.
Genome position (GRCh38, 1-based): chr5:150,656,500, G>A. VCF-style: chr5-150656500-G-A. GRCh37 (hg19) VCF-style: chr5-150036062-G-A.
Other names: c.2125G>A (NM_007286.5); short protein forms E709K.
Identifiers: ClinVar variation 4781284 (VCV004781284.2).